The following is an entry in ClinVar:

NM_001035.3(RYR2):c.13372G>C (p.Gly4458Arg)

Gene: RYR2 (ryanodine receptor 2; plus strand). Cytogenetic location: 1q43.
Variant type: single nucleotide variant.
Coding change: c.13372G>C on transcript NM_001035.3 (MANE Select); coding-DNA position 13372, G replaced by C.
Protein change: p.Gly4458Arg; replaces glycine 4458 with arginine.
Molecular consequence: missense variant.
Genome position (GRCh38, 1-based): chr1:237,788,031, G>C. VCF-style: chr1-237788031-G-C. GRCh37 (hg19) VCF-style: chr1-237951331-G-C.
Other names: short protein forms G4458R.
Identifiers: ClinVar variation 2879378 (VCV002879378.3), dbSNP rs2527855327, ClinGen allele CA345416450.
Genomic context (GRCh38, chr1:237,788,031, plus strand): 5'-TTTGTTTGTTTTCATAGGGGAGAAGATGGAGAAAAAGAAGAGAAAGCCAAGGAAGACAAG[G>C]GCAAACAAAAGTTGAGGCAGCTTCACACACACAGATACGGAGAACCAGAAGTGCCAGAGT-3'
Protein context (NP_001026.2, residues 4448-4468): EKEEKAKEDK[Gly4458Arg]KQKLRQLHTH

ClinVar aggregate classification (germline): Uncertain significance (1 of 4 stars; one submission).

Conditions:
Catecholaminergic polymorphic ventricular tachycardia 1. Also called: RYR2-Related Catecholaminergic Polymorphic Ventricular Tachycardia; VENTRICULAR TACHYCARDIA, CATECHOLAMINERGIC POLYMORPHIC, 1, WITH OR WITHOUT ATRIAL DYSFUNCTION AND/OR DILATED CARDIOMYOPATHY; VENTRICULAR TACHYCARDIA, STRESS-INDUCED POLYMORPHIC 1. Identifiers: Orphanet 3286, MedGen C1631597, MONDO:0011484, OMIM 604772.

Submission:

Labcorp Genetics (formerly Invitae), Labcorp
Classification: Uncertain significance for Catecholaminergic polymorphic ventricular tachycardia 1. Last evaluated: 2023-04-09. Review status: criteria provided, single submitter. Criteria: Invitae Variant Classification Sherloc (09022015). Collection method: clinical testing. Allele origin: germline.
Comment: This sequence change replaces glycine, which is neutral and non-polar, with arginine, which is basic and polar, at codon 4458 of the RYR2 protein (p.Gly4458Arg). This variant is not present in population databases (gnomAD no frequency). This variant has not been reported in the literature in individuals affected with RYR2-related conditions. Advanced modeling of protein sequence and biophysical properties (such as structural, functional, and spatial information, amino acid conservation, physicochemical variation, residue mobility, and thermodynamic stability) performed at Invitae indicates that this missense variant is not expected to disrupt RYR2 protein function. In summary, the available evidence is currently insufficient to determine the role of this variant in disease. Therefore, it has been classified as a Variant of Uncertain Significance.